The following is an entry in ClinVar:

NM_015378.4(VPS13D):c.6061C>T (p.Arg2021Trp)

Gene: VPS13D (vacuolar protein sorting 13 homolog D; plus strand). Cytogenetic location: 1p36.22.
Variant type: single nucleotide variant.
Coding change: c.6061C>T on transcript NM_015378.4 (MANE Select); coding-DNA position 6061, C replaced by T.
Protein change: p.Arg2021Trp; replaces arginine 2021 with tryptophan.
Molecular consequence: missense variant.
Genome position (GRCh38, 1-based): chr1:12,299,229, C>T. VCF-style: chr1-12299229-C-T. GRCh37 (hg19) VCF-style: chr1-12359286-C-T.
Other names: p.Arg2021Trp; c.6061C>T, p.Arg2021Trp (NM_018156.4); short protein forms R2021W.
Identifiers: ClinVar variation 2683697 (VCV002683697.1), dbSNP rs757409104, ClinGen allele CA602507.
Genomic context (GRCh38, chr1:12,299,229, plus strand): 5'-TATCCTCTGAGTCAGTTTTCCTTCCTCTTTCAGGTGAGAGATCAAGCCCAGCGCTGTTCA[C>T]GGGTTCTCCTGGATATTGAGGCTGGTGCTCCCGTTCTCTTGATCCCAGAAAGTTCCAGAT-3'
Protein context (NP_056193.2, residues 2011-2031): TVRDQAQRCS[Arg2021Trp]VLLDIEAGAP

ClinVar aggregate classification (germline): Uncertain significance (1 of 4 stars; one submission).

Allele frequency attached by ClinVar (database versions not stated): gnomAD exomes below 0.00001; ExAC 0.00001; TOPMed 0.00001.
gnomAD v4.1: 4 of 1,612,504 alleles (0.00025%); highest among the groups gnomAD compares: Non-Finnish European, 0.00025%; no homozygotes.

Submission:

Mayo Clinic Laboratories, Mayo Clinic
Classification: Uncertain significance. Last evaluated: 2023-03-14. Review status: criteria provided, single submitter. Criteria: ACMG Guidelines, 2015. Collection method: clinical testing. Allele origin: germline. Observed: 1 variant allele.
Comment: PM2